The following is an entry in ClinVar:

ClinVar aggregate classification (germline): Likely pathogenic (1 of 4 stars; one submission).

Conditions:
Severe combined immunodeficiency due to DCLRE1C deficiency (RS-SCID). Also called: SCID, AUTOSOMAL RECESSIVE, T CELL-NEGATIVE, B CELL-NEGATIVE, NK CELL-POSITIVE, WITH SENSITIVITY TO IONIZING RADIATION. Identifiers: Orphanet 275, MedGen C1865371, MONDO:0011225, OMIM 602450.

Allele frequency attached by ClinVar (database versions not stated): gnomAD exomes below 0.00001.
gnomAD v4.1: 1 of 1,610,812 alleles (0.000062%); highest among the groups gnomAD compares: South Asian, 0.0011%; no homozygotes.

Submission:

Labcorp Genetics (formerly Invitae), Labcorp
Classification: Likely pathogenic for Athabaskan severe combined immunodeficiency. Last evaluated: 2023-07-07. Review status: criteria provided, single submitter. Criteria: Invitae Variant Classification Sherloc (09022015). Collection method: clinical testing. Allele origin: germline.
Comment: In summary, the currently available evidence indicates that the variant is pathogenic, but additional data are needed to prove that conclusively. Therefore, this variant has been classified as Likely Pathogenic. Studies have shown that disruption of this splice site is associated with altered splicing resulting in unknown protein product impact (PMID: 34220820). Disruption of this splice site has been observed in individual(s) with severe combined immunodeficiency (PMID: 34220820). This variant is not present in population databases (gnomAD no frequency). This sequence change affects an acceptor splice site in intron 6 of the DCLRE1C gene. It is expected to disrupt RNA splicing. Variants that disrupt the donor or acceptor splice site typically lead to a loss of protein function (PMID: 16199547), and loss-of-function variants in DCLRE1C are known to be pathogenic (PMID: 21664875, 26123418).

Literature cited by the submitters: PubMed 34220820; PubMed 16199547; PubMed 21664875; PubMed 26123418.

NM_001033855.3(DCLRE1C):c.465-1G>A

Gene: DCLRE1C (DNA cross-link repair 1C; minus strand). Cytogenetic location: 10p13.
Variant type: single nucleotide variant.
Coding change: c.465-1G>A on transcript NM_001033855.3 (MANE Select); the canonical splice acceptor site of the intron before coding-DNA position 465, G replaced by A.
Molecular consequence: splice acceptor variant.
Genome position (GRCh38, 1-based): chr10:14,934,776, C>T on the plus strand (G>A on the coding strand, the complement: DCLRE1C is on the minus strand). VCF-style: chr10-14934776-C-T. GRCh37 (hg19) VCF-style: chr10-14976775-C-T.
Other names: c.120-1G>A (NM_001350966.2, NM_001289078.2, NM_001289076.2 and 1 more transcripts); c.465-1G>A (NM_001350965.2); c.105-1G>A (NM_001350967.2, NM_001289077.2, NM_001289079.2 and 2 more transcripts).
Identifiers: ClinVar variation 2736775 (VCV002736775.3), dbSNP rs2130944445, ClinGen allele CA376060016.